The following is an entry in ClinVar:

ClinVar aggregate classification (germline): Likely benign. Review status: criteria provided, single submitter (1 of 4 stars). 2 submissions from 2 submitters: Likely benign (1). 1 of the submissions does not count toward it. Last evaluated 2024-11-08.

Conditions:
PLEC-related disorder. Also called: PLEC-related disorders; PLEC-related condition.

Allele frequency attached by ClinVar (database versions not stated): gnomAD 0.00008; TOPMed 0.00015; 1000 Genomes Project 30x 0.00031; ExAC 0.00018; 1000 Genomes Project 0.00040.
gnomAD v4.1: 107 of 1,610,808 alleles (0.0066%); highest among the groups gnomAD compares: East Asian, 0.13%; no homozygotes.

Submissions (2):

Blueprint Genetics
Classification: Likely benign. Last evaluated: 2024-11-08. Review status: criteria provided, single submitter. Criteria: ACMG Guidelines, 2015. Collection method: clinical testing. Allele origin: germline.

PreventionGenetics, part of Exact Sciences
Classification: Likely benign for PLEC-related condition. Last evaluated: 2019-05-28. Review status: no assertion criteria provided. Collection method: clinical testing. Allele origin: germline. Not counted in ClinVar's aggregate classification.
Comment: This variant is classified as likely benign based on ACMG/AMP sequence variant interpretation guidelines (Richards et al. 2015 PMID: 25741868, with internal and published modifications).

NM_201378.4(PLEC):c.71-5083A>C

Gene: PLEC (plectin; minus strand). Cytogenetic location: 8q24.3.
Variant type: single nucleotide variant.
Coding change: c.71-5083A>C on transcript NM_201378.4 (MANE Plus Clinical); 5083 bases into the intron before coding-DNA position 71, A replaced by C.
Molecular consequence: intron variant.
Genome position (GRCh38, 1-based): chr8:143,943,775, T>G on the plus strand (A>C on the coding strand, the complement: PLEC is on the minus strand). VCF-style: chr8-143943775-T-G. GRCh37 (hg19) VCF-style: chr8-145017943-T-G.
Other names: c.194-5083A>C (NM_001410941.1, NM_000445.5); c.47-5083A>C (NM_201379.3); c.524-5083A>C (NM_201380.4); c.16+873A>C (NM_201381.3); c.112+4A>C (NM_201382.4).
Identifiers: ClinVar variation 3038956 (VCV003038956.3), dbSNP rs377195293, ClinGen allele CA4928783.